The following is an entry in ClinVar:

NM_001035.3(RYR2):c.9490G>C (p.Gly3164Arg)

Gene: RYR2 (ryanodine receptor 2; plus strand). Cytogenetic location: 1q43.
Variant type: single nucleotide variant.
Coding change: c.9490G>C on transcript NM_001035.3 (MANE Select); coding-DNA position 9490, G replaced by C.
Protein change: p.Gly3164Arg; replaces glycine 3164 with arginine.
Molecular consequence: missense variant.
Genome position (GRCh38, 1-based): chr1:237,705,253, G>C. VCF-style: chr1-237705253-G-C. GRCh37 (hg19) VCF-style: chr1-237868553-G-C.
Other names: short protein forms G3164R.
Identifiers: ClinVar variation 923623 (VCV000923623.4), dbSNP rs1558255229, ClinGen allele CA345407548.

ClinVar aggregate classification (germline): Uncertain significance (1 of 4 stars; one submission).

Conditions:
Cardiomyopathy (CMYO). Also called: Cardiomyopathies. Identifiers: Orphanet 167848, MedGen C0878544, MONDO:0004994, HP:0001638. Inheritance: Various modes of inheritance.

Submission:

Color Diagnostics, LLC DBA Color Health
Classification: Uncertain significance for Cardiomyopathy. Last evaluated: 2024-03-06. Review status: criteria provided, single submitter. Criteria: ACMG Guidelines, 2015. Collection method: clinical testing. Allele origin: germline.
Comment: This missense variant replaces glycine with arginine at codon 3164 of the RYR2 protein. Computational prediction is inconclusive regarding the impact of this variant on protein structure and function (internally defined REVEL score threshold 0.5 < inconclusive < 0.7, PMID: 27666373). Splice site prediction tools suggest that this variant may not impact RNA splicing. To our knowledge, functional studies have not been reported for this variant. This variant has not been reported in individuals affected with cardiovascular disorders in the literature. This variant has not been identified in the general population by the Genome Aggregation Database (gnomAD). The available evidence is insufficient to determine the role of this variant in disease conclusively. Therefore, this variant is classified as a Variant of Uncertain Significance.